The following is an entry in ClinVar:

ClinVar aggregate classification (germline): Likely benign (0 of 4 stars; one submission).

Conditions:
GCSH-related disorder. Also called: GCSH-related condition.

Submission:

PreventionGenetics, part of Exact Sciences
Classification: Likely benign for GCSH-related condition. Last evaluated: 2020-07-29. Review status: no assertion criteria provided. Collection method: clinical testing. Allele origin: germline.
Comment: This variant is classified as likely benign based on ACMG/AMP sequence variant interpretation guidelines (Richards et al. 2015 PMID: 25741868, with internal and published modifications).

NM_004483.5(GCSH):c.51C>T (p.Arg17=)

Genes: GCSH (glycine cleavage system protein H; minus strand), LOC130059495 (ATAC-STARR-seq lymphoblastoid silent region 7751; plus strand). Cytogenetic location: 16q23.2.
Variant type: single nucleotide variant.
Coding change: c.51C>T on transcript NM_004483.5 (MANE Select); coding-DNA position 51, C replaced by T.
Protein change: p.Arg17=; no amino-acid change (arginine 17 retained).
Molecular consequence: synonymous variant. On other transcripts: non-coding transcript variant (1).
Genome position (GRCh38, 1-based): chr16:81,096,228, G>A on the plus strand (C>T on the coding strand, the complement: GCSH is on the minus strand). VCF-style: chr16-81096228-G-A. GRCh37 (hg19) VCF-style: chr16-81129833-G-A.
Identifiers: ClinVar variation 3055057 (VCV003055057.2), dbSNP rs1304674402, ClinGen allele CA496442473.